The following is an entry in ClinVar:

NM_007294.4(BRCA1):c.390C>G (p.Tyr130Ter)

Gene: BRCA1 (BRCA1 DNA repair associated; minus strand). Cytogenetic location: 17q21.31.
Variant type: single nucleotide variant.
Coding change: c.390C>G on transcript NM_007294.4 (MANE Select); coding-DNA position 390, C replaced by G.
Protein change: p.Tyr130Ter; replaces tyrosine 130 with a stop codon.
Molecular consequence: nonsense. On other transcripts: non-coding transcript variant (1).
Genome position (GRCh38, 1-based): chr17:43,104,173, G>C on the plus strand (C>G on the coding strand, the complement: BRCA1 is on the minus strand). VCF-style: chr17-43104173-G-C. GRCh37 (hg19) VCF-style: chr17-41256190-G-C.
Other names: c.180C>G, p.Tyr60Ter (NM_001407571.1, NM_001407853.1, NM_001407879.1 and 58 more transcripts); c.390C>G, p.Tyr130Ter (NM_001407581.1, NM_001407582.1, NM_001407583.1 and 165 more transcripts); c.381C>G, p.Tyr127Ter (NM_001407646.1, NM_001407647.1, NM_001408408.1); c.312C>G, p.Tyr104Ter (NM_001407653.1, NM_001407654.1, NM_001407655.1 and 21 more transcripts); c.249C>G, p.Tyr83Ter (NM_001407692.1, NM_001407694.1, NM_001407695.1 and 99 more transcripts); c.9C>G, p.Tyr3Ter (NM_001407959.1, NM_001407960.1, NM_001407962.1 and 4 more transcripts); c.258C>G, p.Tyr86Ter (NM_001408451.1); short protein forms Y130*, Y83*, Y127*, Y60*, Y86*, Y104*, Y3*.
Identifiers: ClinVar variation 254373 (VCV000254373.4), dbSNP rs80356888, ClinGen allele CA10586671.

ClinVar aggregate classification (germline): Pathogenic. Review status: reviewed by expert panel (3 of 4 stars). 2 submissions from 2 submitters: Pathogenic (1). 1 of the submissions does not count toward it. Last evaluated 2016-09-08.

Conditions:
Breast-ovarian cancer, familial, susceptibility to, 1 (BROVCA1). Also called: BRCA1 Hereditary Breast and Ovarian Cancer; OVARIAN CANCER, SUSCEPTIBILITY TO. Identifiers: Orphanet 145, MedGen C2676676, MONDO:0011450, OMIM 604370. Disease mechanism: loss of function.

Submissions (2):

Evidence-based Network for the Interpretation of Germline Mutant Alleles (ENIGMA)
Classification: Pathogenic for Breast-ovarian cancer, familial, susceptibility to, 1. Last evaluated: 2016-09-08. Review status: reviewed by expert panel. Criteria: ENIGMA BRCA1/2 Classification Criteria (2015). Collection method: curation. Allele origin: germline.
Comment: Variant allele predicted to encode a truncated non-functional protein.

Consortium of Investigators of Modifiers of BRCA1/2 (CIMBA), c/o University of Cambridge
Classification: Pathogenic for Breast-ovarian cancer, familial, susceptibility to, 1. Last evaluated: 2015-10-02. Review status: criteria provided, single submitter. Criteria: CIMBA Mutation Classification guidelines May 2016. Collection method: clinical testing. Allele origin: germline. Not counted in ClinVar's aggregate classification.